The following is an entry in ClinVar:

NM_001273.5(CHD4):c.1070A>C (p.Glu357Ala)

Gene: CHD4 (chromodomain helicase DNA binding protein 4; minus strand). Cytogenetic location: 12p13.31.
Variant type: single nucleotide variant.
Coding change: c.1070A>C on transcript NM_001273.5 (MANE Select); coding-DNA position 1070, A replaced by C.
Protein change: p.Glu357Ala; replaces glutamic acid 357 with alanine.
Molecular consequence: missense variant. On other transcripts: intron variant (1).
Genome position (GRCh38, 1-based): chr12:6,600,389, T>G on the plus strand (A>C on the coding strand, the complement: CHD4 is on the minus strand). VCF-style: chr12-6600389-T-G. GRCh37 (hg19) VCF-style: chr12-6709555-T-G.
Other names: c.1049A>C, p.Glu350Ala (NM_001297553.2); c.1064-33A>C (NM_001363606.2); short protein forms E350A, E357A.
Identifiers: ClinVar variation 3768714 (VCV003768714.1).

ClinVar aggregate classification (germline): Uncertain significance (1 of 4 stars; one submission).

gnomAD v4.1: 1 of 1,613,726 alleles (0.000062%); highest among the groups gnomAD compares: Admixed American, 0.0017%; no homozygotes.

Submission:

Women's Health and Genetics/Laboratory Corporation of America, LabCorp
Classification: Uncertain significance. Last evaluated: 2025-02-06. Review status: criteria provided, single submitter. Criteria: LabCorp Variant Classification Summary - May 2015. Collection method: clinical testing. Allele origin: germline.
Comment: Variant summary: CHD4 c.1070A>C (p.Glu357Ala) results in a non-conservative amino acid change in the encoded protein sequence. Three of five in-silico tools predict a benign effect of the variant on protein function. The variant allele was found at a frequency of 4e-06 in 251136 control chromosomes. The available data on variant occurrences in the general population are insufficient to allow any conclusion about variant significance. To our knowledge, no occurrence of c.1070A>C in individuals affected with Sifrim-Hitz Syndrome and no experimental evidence demonstrating its impact on protein function have been reported. No submitters have cited clinical-significance assessments for this variant to ClinVar. Based on the evidence outlined above, the variant was classified as uncertain significance.